The following is an entry in ClinVar:

NM_005506.4(SCARB2):c.897A>G (p.Ala299=)

Gene: SCARB2 (scavenger receptor class B member 2; minus strand). Cytogenetic location: 4q21.1.
Variant type: single nucleotide variant.
Coding change: c.897A>G on transcript NM_005506.4 (MANE Select); coding-DNA position 897, A replaced by G.
Protein change: p.Ala299=; no amino-acid change (alanine 299 retained).
Molecular consequence: synonymous variant.
Genome position (GRCh38, 1-based): chr4:76,174,241, T>C on the plus strand (A>G on the coding strand, the complement: SCARB2 is on the minus strand). VCF-style: chr4-76174241-T-C. GRCh37 (hg19) VCF-style: chr4-77095394-T-C.
Other names: c.468A>G, p.Ala156= (NM_001204255.2).
Identifiers: ClinVar variation 381110 (VCV000381110.2), dbSNP rs1057520962, ClinGen allele CA16604626.

ClinVar aggregate classification (germline): Likely benign. Review status: criteria provided, multiple submitters, no conflicts (2 of 4 stars). 2 submissions from 2 submitters: Likely benign (2). Last evaluated 2025-07-13.

Conditions:
Progressive myoclonic epilepsy. Also called: Myoclonus epilepsy; Progressive myoclonus epilepsy; Familial progressive myoclonic epilepsy; Myoclonic Epilepsies, Progressive. Identifiers: Orphanet 308, Orphanet 98261, MedGen C0751778, MONDO:0020074.

Submissions (2):

Labcorp Genetics (formerly Invitae), Labcorp
Classification: Likely benign for Progressive myoclonic epilepsy. Last evaluated: 2025-07-13. Review status: criteria provided, single submitter. Criteria: Invitae Variant Classification Sherloc (09022015). Collection method: clinical testing. Allele origin: germline.

GeneDx
Classification: Likely benign. Last evaluated: 2015-10-16. Review status: criteria provided, single submitter. Criteria: GeneDx Variant Classification (06012015). Collection method: clinical testing. Allele origin: germline. Affected: yes.
Comment: This variant is considered likely benign or benign based on one or more of the following criteria: it is a conservative change, it occurs at a poorly conserved position in the protein, it is predicted to be benign by multiple in silico algorithms, and/or has population frequency not consistent with disease.